The following is an entry in ClinVar:

NM_015057.5(MYCBP2):c.2T>G (p.Met1Arg)

Genes: MYCBP2 (MYC binding protein 2; minus strand), LOC130009921 (ATAC-STARR-seq lymphoblastoid silent region 5419; plus strand). Cytogenetic location: 13q22.3.
Variant type: single nucleotide variant.
Coding change: c.2T>G on transcript NM_015057.5 (MANE Select); coding-DNA position 2, T replaced by G.
Protein change: p.Met1Arg; changes the start codon (methionine 1).
Molecular consequence: missense variant, initiator codon variant.
Genome position (GRCh38, 1-based): chr13:77,326,774, A>C on the plus strand (T>G on the coding strand, the complement: MYCBP2 is on the minus strand). VCF-style: chr13-77326774-A-C. GRCh37 (hg19) VCF-style: chr13-77900909-A-C.
Other names: short protein forms M1R.
Identifiers: ClinVar variation 722591 (VCV000722591.7), dbSNP rs760826252, ClinGen allele CA7010782.

ClinVar aggregate classification (germline): Likely benign. Review status: criteria provided, single submitter (1 of 4 stars). 2 submissions from 2 submitters: Likely benign (1). 1 of the submissions does not count toward it. Last evaluated 2019-12-31.

Conditions:
MYCBP2-related disorder. Also called: MYCBP2-related condition.

Allele frequency attached by ClinVar (database versions not stated): ExAC 0.00109; TOPMed 0.00239; gnomAD 0.00229 and 0.00220; gnomAD exomes 0.00190; 1000 Genomes Project 30x 0.00047.

Submissions (2):

Labcorp Genetics (formerly Invitae), Labcorp
Classification: Likely benign. Last evaluated: 2019-12-31. Review status: criteria provided, single submitter. Criteria: Invitae Variant Classification Sherloc (09022015). Collection method: clinical testing. Allele origin: germline.

PreventionGenetics, part of Exact Sciences
Classification: Likely benign for MYCBP2-related condition. Last evaluated: 2019-07-10. Review status: no assertion criteria provided. Collection method: clinical testing. Allele origin: germline. Not counted in ClinVar's aggregate classification.
Comment: This variant is classified as likely benign based on ACMG/AMP sequence variant interpretation guidelines (Richards et al. 2015 PMID: 25741868, with internal and published modifications).